The following is an entry in ClinVar:

NM_001128840.3(CACNA1D):c.4668G>A (p.Thr1556=)

Gene: CACNA1D (calcium voltage-gated channel subunit alpha1 D; plus strand). Cytogenetic location: 3p21.1.
Variant type: single nucleotide variant.
Coding change: c.4668G>A on transcript NM_001128840.3 (MANE Select); coding-DNA position 4668, G replaced by A.
Protein change: p.Thr1556=; no amino-acid change (threonine 1556 retained).
Molecular consequence: synonymous variant.
Genome position (GRCh38, 1-based): chr3:53,780,106, G>A. VCF-style: chr3-53780106-G-A. GRCh37 (hg19) VCF-style: chr3-53814133-G-A.
Other names: c.4728G>A, p.Thr1576= (NM_000720.4); c.4623G>A, p.Thr1541= (NM_001128839.3).
Identifiers: ClinVar variation 930038 (VCV000930038.11), dbSNP rs954096785, ClinGen allele CA74850399.

ClinVar aggregate classification (germline): Likely benign. Review status: criteria provided, multiple submitters, no conflicts (2 of 4 stars). 4 submissions from 4 submitters: Likely benign (4). Last evaluated 2026-01-30.

Allele frequency attached by ClinVar (database versions not stated): gnomAD 0.00002; gnomAD exomes 0.00002 and 0.00001; TOPMed 0.00002.
gnomAD v4.1: 27 of 1,613,692 alleles (0.0017%); highest among the groups gnomAD compares: African/African-American, 0.008%; no homozygotes.

Submissions (4):

Labcorp Genetics (formerly Invitae), Labcorp
Classification: Likely benign. Last evaluated: 2026-01-30. Review status: criteria provided, single submitter. Criteria: Invitae Variant Classification Sherloc (09022015). Collection method: clinical testing. Allele origin: germline.

Women's Health and Genetics/Laboratory Corporation of America, LabCorp
Classification: Likely benign. Last evaluated: 2025-04-24. Review status: criteria provided, single submitter. Criteria: LabCorp Variant Classification Summary - May 2015. Collection method: clinical testing. Allele origin: germline.

Blueprint Genetics
Classification: Likely benign. Last evaluated: 2024-07-01. Review status: criteria provided, single submitter. Criteria: ACMG Guidelines, 2015. Collection method: clinical testing. Allele origin: germline.

Laboratory for Molecular Medicine, Mass General Brigham Personalized Medicine
Classification: Likely benign. Last evaluated: 2019-04-26. Review status: criteria provided, single submitter. Criteria: LMM Criteria. Collection method: clinical testing. Allele origin: germline. Observed: 1 variant allele.
Comment: The p.Thr1576Thr variant in CACNA1D is classified as likely benign because it does not alter an amino acid residue, it is not located within the splice consensus sequence, and splice prediction algorithms do not predict a newly created splice site. ACMG/AMP Criteria applied: BP4, BP7.